The following is an entry in ClinVar:

ClinVar aggregate classification (germline): Uncertain significance (1 of 4 stars; one submission).

Conditions:
Hypertrophic cardiomyopathy 1 (CMH1). Also called: Familial hypertrophic cardiomyopathy 1; MYH7-Related Familial Hypertrophic Cardiomyopathy. Identifiers: MedGen C3495498, MONDO:0008647, OMIM 192600.

Allele frequency attached by ClinVar (database versions not stated): TOPMed below 0.00001.
gnomAD v4.1: 1 of 1,614,154 alleles (0.000062%); highest among the groups gnomAD compares: Non-Finnish European, 0.000085%; no homozygotes.

Submission:

Labcorp Genetics (formerly Invitae), Labcorp
Classification: Uncertain significance for Hypertrophic cardiomyopathy 1. Last evaluated: 2023-08-28. Review status: criteria provided, single submitter. Criteria: Invitae Variant Classification Sherloc (09022015). Collection method: clinical testing. Allele origin: germline.
Comment: This variant has not been reported in the literature in individuals affected with MYLK2-related conditions. In summary, the available evidence is currently insufficient to determine the role of this variant in disease. Therefore, it has been classified as a Variant of Uncertain Significance. Advanced modeling of protein sequence and biophysical properties (such as structural, functional, and spatial information, amino acid conservation, physicochemical variation, residue mobility, and thermodynamic stability) performed at Invitae indicates that this missense variant is not expected to disrupt MYLK2 protein function. ClinVar contains an entry for this variant (Variation ID: 540258). This variant is not present in population databases (gnomAD no frequency). This sequence change replaces valine, which is neutral and non-polar, with leucine, which is neutral and non-polar, at codon 454 of the MYLK2 protein (p.Val454Leu).

NM_033118.4(MYLK2):c.1360G>T (p.Val454Leu)

Gene: MYLK2 (myosin light chain kinase 2; plus strand). Cytogenetic location: 20q11.21.
Variant type: single nucleotide variant.
Coding change: c.1360G>T on transcript NM_033118.4 (MANE Select); coding-DNA position 1360, G replaced by T.
Protein change: p.Val454Leu; replaces valine 454 with leucine.
Molecular consequence: missense variant.
Genome position (GRCh38, 1-based): chr20:31,831,077, G>T. VCF-style: chr20-31831077-G-T. GRCh37 (hg19) VCF-style: chr20-30418880-G-T.
Other names: short protein forms V454L.
Identifiers: ClinVar variation 540258 (VCV000540258.8), dbSNP rs1555790622, ClinGen allele CA408527708.
Genomic context (GRCh38, chr20:31,831,077, plus strand): 5'-AACCCCAACGAGAAGCTGAAGGTGAACTTTGGGACCCCAGAGTTCCTGTCACCTGAGGTG[G>T]TGAATTATGACCAAATCTCCGATAAGACAGACATGTGGAGTATGGGGGTGATCACCTACA-3'
Protein context (NP_149109.1, residues 444-464): GTPEFLSPEV[Val454Leu]NYDQISDKTD